The following is an entry in ClinVar:

ClinVar aggregate classification (germline): Uncertain significance (1 of 4 stars; one submission).

Conditions:
Cardiovascular phenotype. Identifiers: MedGen CN230736.

Submission:

Ambry Genetics
Classification: Uncertain significance for Cardiovascular phenotype. Last evaluated: 2026-09-03. Review status: criteria provided, single submitter. Criteria: Ambry Variant Classification Scheme 2023. Collection method: clinical testing. Allele origin: germline.
Comment: The p.N402K variant (also known as c.1206C>G), located in coding exon 8 of the ABCC9 gene, results from a C to G substitution at nucleotide position 1206. The asparagine at codon 402 is replaced by lysine, an amino acid with similar properties. This amino acid position is highly conserved in available vertebrate species. In addition, the in silico prediction for this alteration is inconclusive. Based on the available evidence, the clinical significance of this variant remains unclear.

NM_020297.4(ABCC9):c.1206C>G (p.Asn402Lys)

Gene: ABCC9 (ATP binding cassette subfamily C member 9; minus strand). Cytogenetic location: 12p12.1.
Variant type: single nucleotide variant.
Coding change: c.1206C>G on transcript NM_020297.4 (MANE Select); coding-DNA position 1206, C replaced by G.
Protein change: p.Asn402Lys; replaces asparagine 402 with lysine.
Molecular consequence: missense variant.
Genome position (GRCh38, 1-based): chr12:21,910,271, G>C on the plus strand (C>G on the coding strand, the complement: ABCC9 is on the minus strand). VCF-style: chr12-21910271-G-C. GRCh37 (hg19) VCF-style: chr12-22063205-G-C.
Other names: c.1206C>G, p.Asn402Lys (NM_001377273.1, NM_005691.4); c.342C>G, p.Asn114Lys (NM_001377274.1); short protein forms N114K, N402K.
Identifiers: ClinVar variation 5025033 (VCV005025033.1).